The following is an entry in ClinVar:

NM_001048174.2(MUTYH):c.621G>A (p.Val207=)

Gene: MUTYH (mutY DNA glycosylase; minus strand). Cytogenetic location: 1p34.1.
Variant type: single nucleotide variant.
Coding change: c.621G>A on transcript NM_001048174.2 (MANE Select); coding-DNA position 621, G replaced by A.
Protein change: p.Val207=; no amino-acid change (valine 207 retained).
Molecular consequence: synonymous variant. On other transcripts: non-coding transcript variant (2).
Genome position (GRCh38, 1-based): chr1:45,332,474, C>T on the plus strand (G>A on the coding strand, the complement: MUTYH is on the minus strand). VCF-style: chr1-45332474-C-T. GRCh37 (hg19) VCF-style: chr1-45798146-C-T.
Other names: c.621G>A, p.Val207= (NM_001048171.2, NM_001048173.2, NM_001293195.2); c.624G>A, p.Val208= (NM_001048172.2); c.705G>A, p.Val235= (NM_001128425.2); c.666G>A, p.Val222= (NM_001293190.2); c.654G>A, p.Val218= (NM_001293191.2); c.345G>A, p.Val115= (NM_001293192.2, NM_001293196.2); c.276G>A, p.Val92= (NM_001350650.2, NM_001350651.2); c.696G>A, p.Val232= (NM_012222.3).
Identifiers: ClinVar variation 649851 (VCV000649851.9), dbSNP rs752360850, ClinGen allele CA058803.

ClinVar aggregate classification (germline): Conflicting classifications of pathogenicity. Review status: criteria provided, conflicting classifications (1 of 4 stars). 2 submissions from 2 submitters: Uncertain significance (1); Likely benign (1). Last evaluated 2025-09-19.

Conditions:
Familial adenomatous polyposis 2. Also called: COLORECTAL ADENOMATOUS POLYPOSIS, AUTOSOMAL RECESSIVE; ADENOMAS, MULTIPLE COLORECTAL, AUTOSOMAL RECESSIVE; MYH-associated polyposis; MUTYH Polyposis; Adenomas, multiple colorectal; MUTYH-associated polyposis. Identifiers: Orphanet 220460, Orphanet 247798, MedGen C3272841, MONDO:0012041, OMIM 608456.
Hereditary cancer-predisposing syndrome. Also called: Tumor predisposition; Neoplastic Syndromes, Hereditary; Hereditary Cancer Syndrome; Hereditary neoplastic syndrome. Identifiers: Orphanet 140162, MedGen C0027672, MeSH D009386, MONDO:0015356.

Allele frequency attached by ClinVar (database versions not stated): TOPMed below 0.00001; ExAC 0.00001; gnomAD exomes 0.00002.
gnomAD v4.1: 12 of 1,614,124 alleles (0.00074%); highest among the groups gnomAD compares: South Asian, 0.013%; no homozygotes.

Submissions (2):

Labcorp Genetics (formerly Invitae), Labcorp
Classification: Likely benign for Familial adenomatous polyposis 2. Last evaluated: 2025-09-19. Review status: criteria provided, single submitter. Criteria: Invitae Variant Classification Sherloc (09022015). Collection method: clinical testing. Allele origin: germline.

Ambry Genetics
Classification: Uncertain significance for Hereditary cancer-predisposing syndrome. Last evaluated: 2025-05-05. Review status: criteria provided, single submitter. Criteria: Ambry Variant Classification Scheme 2023. Collection method: clinical testing. Allele origin: germline.
Comment: The c.705G>A variant (also known as p.V235V), located in coding exon 9 of the MUTYH gene, results from a G to A substitution at nucleotide position 705. This nucleotide substitution does not change the amino acid at codon 235. This nucleotide position is well conserved in available vertebrate species. In silico splice site analysis for this alteration is inconclusive. Based on the available evidence, the clinical significance of this variant remains unclear.